The following is an entry in ClinVar:

ClinVar aggregate classification (germline): Benign (1 of 4 stars; one submission).

Allele frequency attached by ClinVar (database versions not stated): 1000 Genomes Project 30x 0.46065; 1000 Genomes Project 0.46366; gnomAD 0.48780 and 0.48813; TOPMed 0.49266.

Submission:

GeneDx
Classification: Benign. Last evaluated: 2018-06-14. Review status: criteria provided, single submitter. Criteria: GeneDx Variant Classification (06012015). Collection method: clinical testing. Allele origin: germline. Affected: yes.
Comment: This variant is considered likely benign or benign based on one or more of the following criteria: it is a conservative change, it occurs at a poorly conserved position in the protein, it is predicted to be benign by multiple in silico algorithms, and/or has population frequency not consistent with disease.

NM_001303.4(COX10):c.178-284dup

Gene: COX10 (cytochrome c oxidase assembly factor heme A:farnesyltransferase COX10; plus strand). Cytogenetic location: 17p12.
Variant type: Duplication.
Coding change: c.178-284dup on transcript NM_001303.4 (MANE Select); 284 bases into the intron before coding-DNA position 178, one base duplicated (T; older notation c.178-284dupT).
Molecular consequence: intron variant.
Genome position (GRCh38, 1-based): chr17:14,076,451, T duplicated. VCF-style (leftmost placement, unchanged base first): chr17-14076450-A-AT. GRCh37 (hg19) VCF-style: chr17-13979767-A-AT.
Identifiers: ClinVar variation 672514 (VCV000672514.1), dbSNP rs34763365, ClinGen allele CA288736723.